The following is an entry in ClinVar:

ClinVar aggregate classification (germline): Pathogenic/Likely pathogenic. Review status: criteria provided, multiple submitters, no conflicts (2 of 4 stars). 2 submissions from 2 submitters: Pathogenic (1); Likely pathogenic (1). Last evaluated 2024-04-05.

Conditions:
Primary ciliary dyskinesia 9. Also called: CILIARY DYSKINESIA, PRIMARY, 9, WITH OR WITHOUT SITUS INVERSUS. Identifiers: Orphanet 244, MedGen C2676235, MONDO:0012906, OMIM 612444.
Primary ciliary dyskinesia. Also called: Ciliary dyskinesia. Identifiers: Orphanet 244, MedGen C0008780, MONDO:0016575, HP:0012265.

Submissions (2):

Fulgent Genetics
Classification: Likely pathogenic for Primary ciliary dyskinesia 9. Last evaluated: 2024-04-05. Review status: criteria provided, single submitter. Criteria: ACMG Guidelines, 2015. Collection method: clinical testing. Allele origin: germline.

Labcorp Genetics (formerly Invitae), Labcorp
Classification: Pathogenic for Primary ciliary dyskinesia. Last evaluated: 2023-02-11. Review status: criteria provided, single submitter. Criteria: Invitae Variant Classification Sherloc (09022015). Collection method: clinical testing. Allele origin: germline.
Comment: This sequence change creates a premature translational stop signal (p.Cys442*) in the DNAI2 gene. It is expected to result in an absent or disrupted protein product. Loss-of-function variants in DNAI2 are known to be pathogenic (PMID: 18950741, 23891469). This variant is not present in population databases (gnomAD no frequency). This variant has not been reported in the literature in individuals affected with DNAI2-related conditions. Algorithms developed to predict the effect of sequence changes on RNA splicing suggest that this variant may create or strengthen a splice site. For these reasons, this variant has been classified as Pathogenic.

Literature cited by the submitters: PubMed 18950741 (cited by Labcorp Genetics (formerly Invitae), Labcorp); PubMed 23891469 (cited by Labcorp Genetics (formerly Invitae), Labcorp).

NM_023036.6(DNAI2):c.1326C>A (p.Cys442Ter)

Gene: DNAI2 (dynein axonemal intermediate chain 2; plus strand). Cytogenetic location: 17q25.1.
Variant type: single nucleotide variant.
Coding change: c.1326C>A on transcript NM_023036.6 (MANE Select); coding-DNA position 1326, C replaced by A.
Protein change: p.Cys442Ter; replaces cysteine 442 with a stop codon.
Molecular consequence: nonsense. On other transcripts: non-coding transcript variant (1).
Genome position (GRCh38, 1-based): chr17:74,309,367, C>A. VCF-style: chr17-74309367-C-A. GRCh37 (hg19) VCF-style: chr17-72305506-C-A.
Other names: c.1326C>A, p.Cys442Ter (NM_001172810.3, NM_001353167.2); short protein forms C442*.
Identifiers: ClinVar variation 2836226 (VCV002836226.4), dbSNP rs537816710, ClinGen allele CA400912339.